The following is an entry in ClinVar:

NM_000219.6(KCNE1):c.313T>G (p.Ser105Ala)

Gene: KCNE1 (potassium voltage-gated channel subfamily E regulatory subunit 1; minus strand). Cytogenetic location: 21q22.12.
Variant type: single nucleotide variant.
Coding change: c.313T>G on transcript NM_000219.6 (MANE Select); coding-DNA position 313, T replaced by G.
Protein change: p.Ser105Ala; replaces serine 105 with alanine.
Molecular consequence: missense variant.
Genome position (GRCh38, 1-based): chr21:34,449,322, A>C on the plus strand (T>G on the coding strand, the complement: KCNE1 is on the minus strand). VCF-style: chr21-34449322-A-C. GRCh37 (hg19) VCF-style: chr21-35821620-A-C.
Other names: c.313T>G, p.Ser105Ala (NM_001127668.4, NM_001127669.4, NM_001127670.4 and 4 more transcripts); short protein forms S105A.
Identifiers: ClinVar variation 3374611 (VCV003374611.2).

Conditions:
Long QT syndrome 5 (LQT5). Identifiers: Orphanet 101016, Orphanet 768, MedGen C1867904, MONDO:0013372, OMIM 613695.

Submission:

Roden Lab, Vanderbilt University Medical Center
No classification provided (evidence only). Condition: Long QT syndrome 5. Review status: no classification provided. Collection method: in vitro. Allele origin: not applicable. Functional consequence: Effect on ion channel function.
ClinVar note: "not provided" was previously submitted as the classification for the variant. However, the classification appeared to be based only on an observation of functional data so it was converted to no classification on 2025-07-30.